The following is an entry in ClinVar:

ClinVar aggregate classification (germline): Likely pathogenic (1 of 4 stars; one submission).

Submission:

Quest Diagnostics Nichols Institute San Juan Capistrano
Classification: Likely pathogenic. Last evaluated: 2025-01-29. Review status: criteria provided, single submitter. Criteria: Quest Diagnostics criteria. Collection method: clinical testing. Allele origin: unknown.
Comment: The BRCA2 c.5354del (p.Thr1785Ilefs*6) variant alters the translational reading frame of the BRCA2 mRNA and is predicted to cause the premature termination of BRCA2 protein synthesis. This variant has not been reported in individuals with BRCA2-related conditions in the published literature. This variant has not been reported in large, multi-ethnic general populations (Genome Aggregation Database). Based on the available information, this variant is classified as likely pathogenic.

NM_000059.4(BRCA2):c.5354del (p.Thr1785fs)

Gene: BRCA2 (BRCA2 DNA repair associated; plus strand). Cytogenetic location: 13q13.1.
Variant type: Deletion.
Coding change: c.5354del on transcript NM_000059.4 (MANE Select); coding-DNA position 5354, one base deleted (C; older notation c.5354delC).
Protein change: p.Thr1785fs; shifts the reading frame from threonine 1785.
Molecular consequence: frameshift variant. On other transcripts: non-coding transcript variant (1), intron variant (2).
Genome position (GRCh38, 1-based): chr13:32,339,709, C deleted. VCF-style (leftmost placement, unchanged base first): chr13-32339708-AC-A. GRCh37 (hg19) VCF-style: chr13-32913845-AC-A.
Other names: c.5354delC, p.Thr1785Ilefs (NM_000059.3); c.5354del, p.Thr1785fs (NM_001406719.1, NM_001406720.1, NM_001432077.1); c.1910-4849del (NM_001406721.1); c.425-4849del (NM_001406722.1); short protein forms T1785fs.
Identifiers: ClinVar variation 4532828 (VCV004532828.1).